The following is an entry in ClinVar:

NM_177438.3(DICER1):c.1341del (p.Phe447fs)

Gene: DICER1 (dicer 1, ribonuclease III; minus strand). Cytogenetic location: 14q32.13.
Variant type: Deletion.
Coding change: c.1341del on transcript NM_177438.3 (MANE Select); coding-DNA position 1341, one base deleted (T; older notation c.1341delT).
Protein change: p.Phe447fs; shifts the reading frame from phenylalanine 447.
Molecular consequence: frameshift variant. On other transcripts: 5 prime UTR variant (1), non-coding transcript variant (6).
Genome position (GRCh38, 1-based): chr14:95,124,231, A deleted on the plus strand (T on the coding strand, the reverse complement: DICER1 is on the minus strand); the first of 5 consecutive A bases (chr14:95,124,231-95,124,235); deleting any one gives the same sequence. VCF-style (leftmost placement, unchanged base first): chr14-95124230-CA-C. GRCh37 (hg19) VCF-style: chr14-95590567-CA-C.
Other names: c.1341del, p.Phe447fs (NM_001195573.1, NM_001271282.3, NM_001291628.2 and 14 more transcripts); c.1059del, p.Phe353fs (NM_001395686.1); c.936del, p.Phe312fs (NM_001395687.1, NM_001395688.1, NM_001395689.1 and 3 more transcripts); c.774del, p.Phe258fs (NM_001395691.1); c.-228del (NM_001395697.1); c.1341delT (NM_177438.2); short protein forms F258fs, F312fs, F353fs, F447fs.
Identifiers: ClinVar variation 3501890 (VCV003501890.1).

ClinVar aggregate classification (germline): Pathogenic (1 of 4 stars; one submission).

Conditions:
Hereditary cancer-predisposing syndrome. Also called: Tumor predisposition; Neoplastic Syndromes, Hereditary; Hereditary Cancer Syndrome; Hereditary neoplastic syndrome. Identifiers: Orphanet 140162, MedGen C0027672, MeSH D009386, MONDO:0015356.

Submission:

Ambry Genetics
Classification: Pathogenic for Hereditary cancer-predisposing syndrome. Last evaluated: 2024-09-13. Review status: criteria provided, single submitter. Criteria: Ambry Variant Classification Scheme 2023. Collection method: clinical testing. Allele origin: germline.
Comment: The c.1341delT pathogenic mutation, located in coding exon 7 of the DICER1 gene, results from a deletion of one nucleotide at nucleotide position 1341, causing a translational frameshift with a predicted alternate stop codon (p.F447Lfs*11). This variant is considered to be rare based on population cohorts in the Genome Aggregation Database (gnomAD). This alteration is expected to result in loss of function by premature protein truncation or nonsense-mediated mRNA decay. As such, this alteration is interpreted as a disease-causing mutation.